The following is an entry in ClinVar:

ClinVar aggregate classification (germline): Likely benign. Review status: criteria provided, multiple submitters, no conflicts (2 of 4 stars). 2 submissions from 2 submitters: Likely benign (2). Last evaluated 2025-12-17.

Conditions:
INPPL1-related disorder. Also called: INPPL1-related condition.

Allele frequency attached by ClinVar (database versions not stated): ExAC 0.00002; gnomAD 0.00005; TOPMed 0.00008.
gnomAD v4.1: 13 of 1,611,654 alleles (0.00081%); highest among the groups gnomAD compares: African/African-American, 0.016%; no homozygotes.

Submissions (2):

Labcorp Genetics (formerly Invitae), Labcorp
Classification: Likely benign. Last evaluated: 2025-12-17. Review status: criteria provided, single submitter. Criteria: Invitae Variant Classification Sherloc (09022015). Collection method: clinical testing. Allele origin: germline.

PreventionGenetics, part of Exact Sciences
Classification: Likely benign for INPPL1-related condition. Last evaluated: 2024-12-19. Review status: criteria provided, single submitter. Criteria: ACMG Guidelines, 2015. Collection method: clinical testing. Allele origin: germline.
Comment: This variant is classified as likely benign based on ACMG/AMP sequence variant interpretation guidelines (Richards et al. 2015 PMID: 25741868, with internal and published modifications).

NM_001567.4(INPPL1):c.3417G>A (p.Gly1139=)

Gene: INPPL1 (inositol polyphosphate phosphatase like 1; plus strand). Cytogenetic location: 11q13.4.
Variant type: single nucleotide variant.
Coding change: c.3417G>A on transcript NM_001567.4 (MANE Select); coding-DNA position 3417, G replaced by A.
Protein change: p.Gly1139=; no amino-acid change (glycine 1139 retained).
Molecular consequence: synonymous variant.
Genome position (GRCh38, 1-based): chr11:72,237,661, G>A. VCF-style: chr11-72237661-G-A. GRCh37 (hg19) VCF-style: chr11-71948705-G-A.
Other names: c.3417G>A (NM_001567.3).
Identifiers: ClinVar variation 3016050 (VCV003016050.4), dbSNP rs767356456, ClinGen allele CA6170626.